The following is an entry in ClinVar:

NM_006306.4(SMC1A):c.1655C>T (p.Thr552Ile)

Gene: SMC1A (structural maintenance of chromosomes 1A; minus strand). Cytogenetic location: Xp11.22.
Variant type: single nucleotide variant.
Coding change: c.1655C>T on transcript NM_006306.4 (MANE Select); coding-DNA position 1655, C replaced by T.
Protein change: p.Thr552Ile; replaces threonine 552 with isoleucine.
Molecular consequence: missense variant.
Genome position (GRCh38, 1-based): chrX:53,405,847, G>A on the plus strand (C>T on the coding strand, the complement: SMC1A is on the minus strand). VCF-style: chrX-53405847-G-A. GRCh37 (hg19) VCF-style: chrX-53432779-G-A.
Other names: c.1589C>T, p.Thr530Ile (NM_001281463.1); short protein forms T530I, T552I.
Identifiers: ClinVar variation 1313025 (VCV001313025.2), dbSNP rs2146600042, ClinGen allele CA413253652.

ClinVar aggregate classification (germline): Uncertain significance (1 of 4 stars; one submission).

Submission:

GeneDx
Classification: Uncertain significance. Last evaluated: 2020-07-09. Review status: criteria provided, single submitter. Criteria: GeneDx Variant Classification Process June 2021. Collection method: clinical testing. Allele origin: germline. Affected: yes.
Comment: Not observed in large population cohorts (Lek et al., 2016); Missense variants in this gene are often considered pathogenic (Stenson et al., 2014); In silico analysis supports that this missense variant has a deleterious effect on protein structure/function; Has not been previously published as pathogenic or benign to our knowledge